The following is an entry in ClinVar:

ClinVar aggregate classification (germline): Uncertain significance (1 of 4 stars; one submission).

Submission:

Women's Health and Genetics/Laboratory Corporation of America, LabCorp
Classification: Uncertain significance. Last evaluated: 2024-12-12. Review status: criteria provided, single submitter. Criteria: LabCorp Variant Classification Summary - May 2015. Collection method: clinical testing. Allele origin: germline.
Comment: Variant summary: TTN c.26528T>C (p.Ile8843Thr) results in a non-conservative amino acid change located in the I-band of the encoded protein sequence. Two of four in-silico tools predict a benign effect of the variant on protein function. The variant was absent in 249112 control chromosomes. The available data on variant occurrences in the general population are insufficient to allow any conclusion about variant significance. To our knowledge, no occurrence of c.26528T>C in individuals affected with Autosomal Recessive Titinopathy or other TTN-related disorders and no experimental evidence demonstrating its impact on protein function have been reported. No submitters have cited clinical-significance assessments for this variant to ClinVar. Based on the evidence outlined above, the variant was classified as uncertain significance.

NM_001267550.2(TTN):c.30260T>C (p.Ile10087Thr)

Gene: TTN (titin; minus strand). Cytogenetic location: 2q31.2.
Variant type: single nucleotide variant.
Coding change: c.30260T>C on transcript NM_001267550.2 (MANE Select); coding-DNA position 30260, T replaced by C.
Protein change: p.Ile10087Thr; replaces isoleucine 10087 with threonine.
Molecular consequence: missense variant. On other transcripts: intron variant (3).
Genome position (GRCh38, 1-based): chr2:178,702,627, A>G on the plus strand (T>C on the coding strand, the complement: TTN is on the minus strand). VCF-style: chr2-178702627-A-G. GRCh37 (hg19) VCF-style: chr2-179567354-A-G.
Other names: c.29309T>C, p.Ile9770Thr (NM_001256850.1); c.26528T>C, p.Ile8843Thr (NM_133378.4); c.13282+35455T>C (NM_003319.4); c.13858+35455T>C (NM_133437.4); c.13657+35455T>C (NM_133432.3); short protein forms I10087T, I8843T, I9770T.
Identifiers: ClinVar variation 3768079 (VCV003768079.1).